The following is an entry in ClinVar:

NM_005027.4(PIK3R2):c.367G>A (p.Val123Met)

Gene: PIK3R2 (phosphoinositide-3-kinase regulatory subunit 2; plus strand). Cytogenetic location: 19p13.11.
Variant type: single nucleotide variant.
Coding change: c.367G>A on transcript NM_005027.4 (MANE Select); coding-DNA position 367, G replaced by A.
Protein change: p.Val123Met; replaces valine 123 with methionine.
Molecular consequence: missense variant. On other transcripts: non-coding transcript variant (2).
Genome position (GRCh38, 1-based): chr19:18,160,515, G>A. VCF-style: chr19-18160515-G-A. GRCh37 (hg19) VCF-style: chr19-18271325-G-A.
Other names: short protein forms V123M.
Identifiers: ClinVar variation 4083127 (VCV004083127.1).

ClinVar aggregate classification (germline): Uncertain significance (1 of 4 stars; one submission).

Submission:

GeneDx
Classification: Uncertain significance. Last evaluated: 2025-03-09. Review status: criteria provided, single submitter. Criteria: GeneDx Variant Classification Process June 2021. Collection method: clinical testing. Allele origin: germline. Affected: yes.
Comment: Not observed at significant frequency in large population cohorts (gnomAD); In silico analysis indicates that this missense variant does not alter protein structure/function; Has not been previously published as pathogenic or benign to our knowledge